The following is an entry in ClinVar:

NM_001011.4(RPS7):c.49G>C (p.Asp17His)

Gene: RPS7 (ribosomal protein S7; plus strand). Cytogenetic location: 2p25.3.
Variant type: single nucleotide variant.
Coding change: c.49G>C on transcript NM_001011.4 (MANE Select); coding-DNA position 49, G replaced by C.
Protein change: p.Asp17His; replaces aspartic acid 17 with histidine.
Molecular consequence: missense variant.
Genome position (GRCh38, 1-based): chr2:3,575,658, G>C. VCF-style: chr2-3575658-G-C. GRCh37 (hg19) VCF-style: chr2-3623248-G-C.
Other names: short protein forms D17H.
Identifiers: ClinVar variation 2807810 (VCV002807810.3), dbSNP rs2528177015, ClinGen allele CA345742605.

ClinVar aggregate classification (germline): Uncertain significance (1 of 4 stars; one submission).

Conditions:
Diamond-Blackfan anemia 8 (DBA8). Also called: RPS7-Related Diamond-Blackfan Anemia. Identifiers: Orphanet 124, MedGen C2675511, MONDO:0012939, OMIM 612563.

Submission:

Labcorp Genetics (formerly Invitae), Labcorp
Classification: Uncertain significance for Diamond-Blackfan anemia 8. Last evaluated: 2022-10-14. Review status: criteria provided, single submitter. Criteria: Invitae Variant Classification Sherloc (09022015). Collection method: clinical testing. Allele origin: germline.
Comment: This sequence change replaces aspartic acid, which is acidic and polar, with histidine, which is basic and polar, at codon 17 of the RPS7 protein (p.Asp17His). This variant is not present in population databases (gnomAD no frequency). This variant has not been reported in the literature in individuals affected with RPS7-related conditions. Algorithms developed to predict the effect of missense changes on protein structure and function are either unavailable or do not agree on the potential impact of this missense change (SIFT: "Deleterious"; PolyPhen-2: "Possibly Damaging"; Align-GVGD: "Class C15"). In summary, the available evidence is currently insufficient to determine the role of this variant in disease. Therefore, it has been classified as a Variant of Uncertain Significance.